The following is an entry in ClinVar:

NM_020964.3(EPG5):c.445G>A (p.Gly149Ser)

Gene: EPG5 (ectopic P-granules 5 autophagy tethering factor; minus strand). Cytogenetic location: 18q21.1.
Variant type: single nucleotide variant.
Coding change: c.445G>A on transcript NM_020964.3 (MANE Select); coding-DNA position 445, G replaced by A.
Protein change: p.Gly149Ser; replaces glycine 149 with serine.
Molecular consequence: missense variant.
Genome position (GRCh38, 1-based): chr18:45,954,957, C>T on the plus strand (G>A on the coding strand, the complement: EPG5 is on the minus strand). VCF-style: chr18-45954957-C-T. GRCh37 (hg19) VCF-style: chr18-43534923-C-T.
Other names: c.445G>A, p.Gly149Ser (NM_001410858.1, NM_001410859.1); short protein forms G149S.
Identifiers: ClinVar variation 2141755 (VCV002141755.2), dbSNP rs2050992088, ClinGen allele CA402351714.

ClinVar aggregate classification (germline): Uncertain significance (1 of 4 stars; one submission).

Conditions:
Vici syndrome (VICIS). Identifiers: Orphanet 1493, MedGen C1855772, MONDO:0009452, OMIM 242840.

gnomAD v4.1: 16 of 1,613,834 alleles (0.00099%); highest among the groups gnomAD compares: Non-Finnish European, 0.0013%; no homozygotes.

Submission:

Labcorp Genetics (formerly Invitae), Labcorp
Classification: Uncertain significance for Vici syndrome. Last evaluated: 2023-10-24. Review status: criteria provided, single submitter. Criteria: Invitae Variant Classification Sherloc (09022015). Collection method: clinical testing. Allele origin: germline.
Comment: This sequence change replaces glycine, which is neutral and non-polar, with serine, which is neutral and polar, at codon 149 of the EPG5 protein (p.Gly149Ser). This variant is not present in population databases (gnomAD no frequency). This variant has not been reported in the literature in individuals affected with EPG5-related conditions. ClinVar contains an entry for this variant (Variation ID: 2141755). Advanced modeling of protein sequence and biophysical properties (such as structural, functional, and spatial information, amino acid conservation, physicochemical variation, residue mobility, and thermodynamic stability) performed at Invitae indicates that this missense variant is not expected to disrupt EPG5 protein function with a negative predictive value of 80%. In summary, the available evidence is currently insufficient to determine the role of this variant in disease. Therefore, it has been classified as a Variant of Uncertain Significance.